The following is an entry in ClinVar:

ClinVar aggregate classification (germline): Uncertain significance. Review status: criteria provided, multiple submitters, no conflicts (2 of 4 stars). 2 submissions from 2 submitters: Uncertain significance (2). Last evaluated 2025-05-19.

Conditions:
RASopathy. Also called: Noonan spectrum disorder; rasopathies. Identifiers: Orphanet 536391, MedGen C5555857, MONDO:0021060.
Cardiovascular phenotype. Identifiers: MedGen CN230736.

Allele frequency attached by ClinVar (database versions not stated): gnomAD exomes 0.00001.
gnomAD v4.1: 9 of 1,614,178 alleles (0.00056%); highest among the groups gnomAD compares: South Asian, 0.0011%; no homozygotes.

Submissions (2):

Ambry Genetics
Classification: Uncertain significance for Cardiovascular phenotype. Last evaluated: 2025-05-19. Review status: criteria provided, single submitter. Criteria: Ambry Variant Classification Scheme 2023. Collection method: clinical testing. Allele origin: germline.
Comment: The p.C508Y variant (also known as c.1523G>A), located in coding exon 10 of the CBL gene, results from a G to A substitution at nucleotide position 1523. The cysteine at codon 508 is replaced by tyrosine, an amino acid with highly dissimilar properties. This amino acid position is conserved. In addition, this alteration is predicted to be tolerated by in silico analysis. Based on the available evidence, the clinical significance of this variant remains unclear.

Labcorp Genetics (formerly Invitae), Labcorp
Classification: Uncertain significance for RASopathy. Last evaluated: 2023-04-18. Review status: criteria provided, single submitter. Criteria: Invitae Variant Classification Sherloc (09022015). Collection method: clinical testing. Allele origin: germline.
Comment: In summary, the available evidence is currently insufficient to determine the role of this variant in disease. Therefore, it has been classified as a Variant of Uncertain Significance. Advanced modeling of protein sequence and biophysical properties (such as structural, functional, and spatial information, amino acid conservation, physicochemical variation, residue mobility, and thermodynamic stability) performed at Invitae indicates that this missense variant is not expected to disrupt CBL protein function. This variant has not been reported in the literature in individuals affected with CBL-related conditions. This variant is not present in population databases (gnomAD no frequency). This sequence change replaces cysteine, which is neutral and slightly polar, with tyrosine, which is neutral and polar, at codon 508 of the CBL protein (p.Cys508Tyr).

NM_005188.4(CBL):c.1523G>A (p.Cys508Tyr)

Gene: CBL (Cbl proto-oncogene; plus strand). Cytogenetic location: 11q23.3.
Variant type: single nucleotide variant.
Coding change: c.1523G>A on transcript NM_005188.4 (MANE Select); coding-DNA position 1523, G replaced by A.
Protein change: p.Cys508Tyr; replaces cysteine 508 with tyrosine.
Molecular consequence: missense variant.
Genome position (GRCh38, 1-based): chr11:119,285,060, G>A. VCF-style: chr11-119285060-G-A. GRCh37 (hg19) VCF-style: chr11-119155770-G-A.
Other names: c.1523G>A (NM_005188.2); short protein forms C508Y.
Identifiers: ClinVar variation 2854110 (VCV002854110.4), dbSNP rs2135310108, ClinGen allele CA382918294.